The following is an entry in ClinVar:

ClinVar aggregate classification (germline): Uncertain significance (1 of 4 stars; one submission).

gnomAD v4.1: 1 of 1,614,188 alleles (0.000062%); highest among the groups gnomAD compares: African/African-American, 0.0013%; no homozygotes.

Submission:

Labcorp Genetics (formerly Invitae), Labcorp
Classification: Uncertain significance. Last evaluated: 2025-04-01. Review status: criteria provided, single submitter. Criteria: Invitae Variant Classification Sherloc (09022015). Collection method: clinical testing. Allele origin: germline.
Comment: This sequence change replaces asparagine, which is neutral and polar, with histidine, which is basic and polar, at codon 759 of the CEP97 protein (p.Asn759His). This variant is present in population databases (rs140612620, gnomAD 0.01%). This variant has not been reported in the literature in individuals affected with CEP97-related conditions. Invitae Evidence Modeling of protein sequence and biophysical properties (such as structural, functional, and spatial information, amino acid conservation, physicochemical variation, residue mobility, and thermodynamic stability) indicates that this missense variant is not expected to disrupt CEP97 protein function with a negative predictive value of 80%. In summary, the available evidence is currently insufficient to determine the role of this variant in disease. Therefore, it has been classified as a Variant of Uncertain Significance.

NM_024548.4(CEP97):c.2275A>C (p.Asn759His)

Gene: CEP97 (centrosomal protein 97; plus strand). Cytogenetic location: 3q12.3.
Variant type: single nucleotide variant.
Coding change: c.2275A>C on transcript NM_024548.4 (MANE Select); coding-DNA position 2275, A replaced by C.
Protein change: p.Asn759His; replaces asparagine 759 with histidine.
Molecular consequence: missense variant.
Genome position (GRCh38, 1-based): chr3:101,765,228, A>C. VCF-style: chr3-101765228-A-C. GRCh37 (hg19) VCF-style: chr3-101484072-A-C.
Other names: c.2098A>C, p.Asn700His (NM_001303401.2); c.2173A>C, p.Asn725His (NM_001410784.1); c.1996A>C, p.Asn666His (NM_001410785.1); short protein forms N666H, N700H, N725H, N759H.
Identifiers: ClinVar variation 4696467 (VCV004696467.1).